The following is an entry in ClinVar:

NM_032043.3(BRIP1):c.2763T>G (p.Tyr921Ter)

Gene: BRIP1 (BRCA1 interacting DNA helicase 1; minus strand). Cytogenetic location: 17q23.2.
Variant type: single nucleotide variant.
Coding change: c.2763T>G on transcript NM_032043.3 (MANE Select); coding-DNA position 2763, T replaced by G.
Protein change: p.Tyr921Ter; replaces tyrosine 921 with a stop codon.
Molecular consequence: nonsense.
Genome position (GRCh38, 1-based): chr17:61,685,978, A>C on the plus strand (T>G on the coding strand, the complement: BRIP1 is on the minus strand). VCF-style: chr17-61685978-A-C. GRCh37 (hg19) VCF-style: chr17-59763339-A-C.
Other names: short protein forms Y921*.
Identifiers: ClinVar variation 2583252 (VCV002583252.5), dbSNP rs1555573356, ClinGen allele CA400481582.

ClinVar aggregate classification (germline): Pathogenic. Review status: criteria provided, multiple submitters, no conflicts (2 of 4 stars). 3 submissions from 3 submitters: Pathogenic (3). Last evaluated 2024-06-25.

Conditions:
Familial cancer of breast. Also called: BREAST CANCER, FAMILIAL; hereditary breast carcinoma; Hereditary breast cancer. Identifiers: Orphanet 227535, MedGen C0346153, MONDO:0016419, OMIM 114480. Disease mechanism: loss of function.
Fanconi anemia complementation group J. Also called: BRIP1-Related Fanconi Anemia. Identifiers: Orphanet 84, MedGen C1836860, MONDO:0012187, OMIM 609054.
Hereditary cancer-predisposing syndrome. Also called: Neoplastic Syndromes, Hereditary; Hereditary Cancer Syndrome; Tumor predisposition; Hereditary neoplastic syndrome. Identifiers: Orphanet 140162, MedGen C0027672, MeSH D009386, MONDO:0015356.

Submissions (3):

Labcorp Genetics (formerly Invitae), Labcorp
Classification: Pathogenic for Familial cancer of breast; Fanconi anemia complementation group J. Last evaluated: 2024-06-25. Review status: criteria provided, single submitter. Criteria: Invitae Variant Classification Sherloc (09022015). Collection method: clinical testing. Allele origin: germline.
Comment: This sequence change creates a premature translational stop signal (p.Tyr921*) in the BRIP1 gene. It is expected to result in an absent or disrupted protein product. Loss-of-function variants in BRIP1 are known to be pathogenic (PMID: 16116423, 17033622, 21964575). This variant is not present in population databases (gnomAD no frequency). This variant has not been reported in the literature in individuals affected with BRIP1-related conditions. ClinVar contains an entry for this variant (Variation ID: 2583252). For these reasons, this variant has been classified as Pathogenic.

Ambry Genetics
Classification: Pathogenic for Hereditary cancer-predisposing syndrome. Last evaluated: 2023-09-16. Review status: criteria provided, single submitter. Criteria: Ambry Variant Classification Scheme 2023. Collection method: clinical testing. Allele origin: germline.
Comment: The p.Y921* pathogenic mutation (also known as c.2763T>G), located in coding exon 18 of the BRIP1 gene, results from a T to G substitution at nucleotide position 2763. This changes the amino acid from a tyrosine to a stop codon within coding exon 18. This variant is considered to be rare based on population cohorts in the Genome Aggregation Database (gnomAD). This alteration is expected to result in loss of function by premature protein truncation or nonsense-mediated mRNA decay. As such, this alteration is interpreted as a disease-causing mutation.

Myriad Genetics, Inc.
Classification: Pathogenic for Familial cancer of breast. Last evaluated: 2023-06-07. Review status: criteria provided, single submitter. Criteria: Myriad Autosomal Dominant, Autosomal Recessive and X-Linked Classification Criteria (2023). Collection method: clinical testing. Allele origin: unknown.
Comment: This variant is considered pathogenic. This variant creates a termination codon and is predicted to result in premature protein truncation.

Literature cited by the submitters: PubMed 16116423 (cited by Labcorp Genetics (formerly Invitae), Labcorp); PubMed 17033622 (cited by Labcorp Genetics (formerly Invitae), Labcorp); PubMed 21964575 (cited by Labcorp Genetics (formerly Invitae), Labcorp).